The following is an entry in ClinVar:

ClinVar aggregate classification (germline): Uncertain significance (1 of 4 stars; one submission).

Allele frequency attached by ClinVar (database versions not stated): gnomAD exomes below 0.00001; TOPMed below 0.00001.
gnomAD v4.1: 5 of 1,612,798 alleles (0.00031%); highest among the groups gnomAD compares: Non-Finnish European, 0.00042%; no homozygotes.

Submission:

GeneDx
Classification: Uncertain significance. Last evaluated: 2023-03-21. Review status: criteria provided, single submitter. Criteria: GeneDx Variant Classification Process June 2021. Collection method: clinical testing. Allele origin: germline. Affected: yes.
Comment: In silico analysis supports that this missense variant does not alter protein structure/function; Has not been previously published as pathogenic or benign to our knowledge

NM_018896.5(CACNA1G):c.6739T>C (p.Tyr2247His)

Gene: CACNA1G (calcium voltage-gated channel subunit alpha1 G; plus strand). Cytogenetic location: 17q21.33.
Variant type: single nucleotide variant.
Coding change: c.6739T>C on transcript NM_018896.5 (MANE Select); coding-DNA position 6739, T replaced by C.
Protein change: p.Tyr2247His; replaces tyrosine 2247 with histidine.
Molecular consequence: missense variant. On other transcripts: non-coding transcript variant (5).
Genome position (GRCh38, 1-based): chr17:50,626,356, T>C. VCF-style: chr17-50626356-T-C. GRCh37 (hg19) VCF-style: chr17-48703717-T-C.
Other names: c.6358T>C, p.Tyr2120His (NM_001256329.2, NM_198387.3); c.6325T>C, p.Tyr2109His (NM_001256330.2); c.6304T>C, p.Tyr2102His (NM_001256331.2); c.6289T>C, p.Tyr2097His (NM_001256332.2); c.6223T>C, p.Tyr2075His (NM_001256333.2); c.6190T>C, p.Tyr2064His (NM_001256334.2); c.6379T>C, p.Tyr2127His (NM_001256359.2); c.6352T>C, p.Tyr2118His (NM_001256360.2); and 18 more; short protein forms Y2041H, Y2064H, Y2075H, Y2097H, Y2102H, Y2109H, Y2113H, Y2116H.
Identifiers: ClinVar variation 2580408 (VCV002580408.1), dbSNP rs1438151056, ClinGen allele CA400238246.